The following is an entry in ClinVar:

ClinVar aggregate classification (germline): Benign/Likely benign. Review status: criteria provided, multiple submitters, no conflicts (2 of 4 stars). 7 submissions from 7 submitters: Benign (2); Likely benign (4). 1 of the submissions does not count toward it. Last evaluated 2026-06-18.

Conditions:
Retinoblastoma (RB1). Also called: RETINOBLASTOMA, SOMATIC. Identifiers: Orphanet 790, MedGen C0035335, MeSH D012175, MONDO:0008380, OMIM 180200, HP:0009919. Disease mechanism: loss of function. Inheritance: Both sporadic and heritable forms are tested..
RB1-related disorder. Also called: RB1-related condition.
Hereditary cancer-predisposing syndrome. Also called: Hereditary neoplastic syndrome; Neoplastic Syndromes, Hereditary; Hereditary Cancer Syndrome; Tumor predisposition. Identifiers: Orphanet 140162, MedGen C0027672, MeSH D009386, MONDO:0015356.

Submissions (7):

Myriad Genetics, Inc.
Classification: Likely benign for Retinoblastoma. Last evaluated: 2026-06-18. Review status: criteria provided, single submitter. Criteria: Myriad Autosomal Dominant, Autosomal Recessive and X-Linked Classification Criteria (2023). Collection method: clinical testing. Allele origin: unknown.
Comment: This variant is considered likely benign. This variant is intronic and is not expected to impact mRNA splicing.

Labcorp Genetics (formerly Invitae), Labcorp
Classification: Benign for Retinoblastoma. Last evaluated: 2026-01-27. Review status: criteria provided, single submitter. Criteria: Invitae Variant Classification Sherloc (09022015). Collection method: clinical testing. Allele origin: germline.

Blueprint Genetics
Classification: Likely benign. Last evaluated: 2024-11-04. Review status: criteria provided, single submitter. Criteria: ACMG Guidelines, 2015. Collection method: clinical testing. Allele origin: germline.

Ambry Genetics
Classification: Likely benign for Hereditary cancer-predisposing syndrome. Last evaluated: 2022-05-23. Review status: criteria provided, single submitter. Criteria: Ambry Variant Classification Scheme 2023. Collection method: clinical testing. Allele origin: germline.

Color Diagnostics, LLC DBA Color Health
Classification: Likely benign for Retinoblastoma. Last evaluated: 2022-05-12. Review status: criteria provided, single submitter. Criteria: ACMG Guidelines, 2015. Collection method: clinical testing. Allele origin: germline.

Sema4
Classification: Benign for Hereditary cancer-predisposing syndrome. Last evaluated: 2022-01-26. Review status: criteria provided, single submitter. Criteria: Sema4 Curation Guidelines. Collection method: curation. Allele origin: germline.

PreventionGenetics, part of Exact Sciences
Classification: Likely benign for RB1-related condition. Last evaluated: 2019-06-05. Review status: no assertion criteria provided. Collection method: clinical testing. Allele origin: germline. Not counted in ClinVar's aggregate classification.
Comment: This variant is classified as likely benign based on ACMG/AMP sequence variant interpretation guidelines (Richards et al. 2015 PMID: 25741868, with internal and published modifications).

NM_000321.3(RB1):c.608-4dup

Gene: RB1 (RB transcriptional corepressor 1; plus strand). Cytogenetic location: 13q14.2.
Variant type: Duplication.
Coding change: c.608-4dup on transcript NM_000321.3 (MANE Select); 4 bases into the intron before coding-DNA position 608, one base duplicated (T; older notation c.608-4dupT).
Molecular consequence: intron variant.
Genome position (GRCh38, 1-based): chr13:48,360,013, T duplicated; the last of 9 consecutive T bases (chr13:48,360,005-48,360,013); duplicating any one gives the same sequence. VCF-style (leftmost placement, unchanged base first): chr13-48360004-A-AT. GRCh37 (hg19) VCF-style: chr13-48934140-A-AT.
Identifiers: ClinVar variation 1661414 (VCV001661414.15), dbSNP rs762805947, ClinGen allele CA6978887.